The following is an entry in ClinVar:

NM_199420.4(POLQ):c.5077A>G (p.Ile1693Val)

Gene: POLQ (DNA polymerase theta; minus strand). Cytogenetic location: 3q13.33.
Variant type: single nucleotide variant.
Coding change: c.5077A>G on transcript NM_199420.4 (MANE Select); coding-DNA position 5077, A replaced by G.
Protein change: p.Ile1693Val; replaces isoleucine 1693 with valine.
Molecular consequence: missense variant.
Genome position (GRCh38, 1-based): chr3:121,487,854, T>C on the plus strand (A>G on the coding strand, the complement: POLQ is on the minus strand). VCF-style: chr3-121487854-T-C. GRCh37 (hg19) VCF-style: chr3-121206701-T-C.
Other names: short protein forms I1693V.
Identifiers: ClinVar variation 3422320 (VCV003422320.1).

ClinVar aggregate classification (germline): Uncertain significance (1 of 4 stars; one submission).

Submission:

Ambry Genetics
Classification: Uncertain significance. Last evaluated: 2024-11-02. Review status: criteria provided, single submitter. Criteria: Ambry Variant Classification Scheme 2023. Collection method: clinical testing. Allele origin: germline.
Comment: The p.I1693V variant (also known as c.5077A>G), located in coding exon 16 of the POLQ gene, results from an A to G substitution at nucleotide position 5077. The isoleucine at codon 1693 is replaced by valine, an amino acid with highly similar properties. This amino acid position is conserved. In addition, this alteration is predicted to be tolerated by in silico analysis. Based on the available evidence, the clinical significance of this variant remains unclear.